The following is an entry in ClinVar:

ClinVar aggregate classification (germline): Uncertain significance (1 of 4 stars; one submission).

Submission:

Greenwood Genetic Center Diagnostic Laboratories, Greenwood Genetic Center
Classification: Uncertain significance. Last evaluated: 2022-05-20. Review status: criteria provided, single submitter. Criteria: ACMG Guidelines, 2015. Collection method: clinical testing. Allele origin: germline. Affected: yes.
Comment: Gene of Uncertain Significance

NM_004769.4(ASIC3):c.449_450del (p.Tyr150fs)

Gene: ASIC3 (acid sensing ion channel subunit 3; plus strand). Cytogenetic location: 7q36.1.
Variant type: Deletion.
Coding change: c.449_450del on transcript NM_004769.4 (MANE Select); coding-DNA positions 449 to 450, 2 bases deleted (AT; older notation c.449_450delAT).
Protein change: p.Tyr150fs; shifts the reading frame from tyrosine 150.
Molecular consequence: frameshift variant. On other transcripts: non-coding transcript variant (1).
Genome position (GRCh38, 1-based): chr7:151,049,334-151,049,335, AT deleted; deleting any 2 consecutive bases within chr7:151,049,333-151,049,335 gives the same sequence; the c. name uses the placement nearest the transcript's 3' end. VCF-style (leftmost placement, unchanged base first): chr7-151049332-CTA-C. GRCh37 (hg19) VCF-style: chr7-150746419-CTA-C.
Other names: c.449_450del, p.Tyr150fs (NM_020321.3, NM_020322.3); short protein forms Y150fs.
Identifiers: ClinVar variation 1703061 (VCV001703061.3), dbSNP rs752000897, ClinGen allele CA4569801.